The following is an entry in ClinVar:

NM_000138.5(FBN1):c.3871del (p.Cys1291fs)

Gene: FBN1 (fibrillin 1; minus strand). Cytogenetic location: 15q21.1.
Variant type: Deletion.
Coding change: c.3871del on transcript NM_000138.5 (MANE Select); coding-DNA position 3871, one base deleted (T; older notation c.3871delT).
Protein change: p.Cys1291fs; shifts the reading frame from cysteine 1291.
Molecular consequence: frameshift variant.
Genome position (GRCh38, 1-based): chr15:48,481,748, A deleted on the plus strand (T on the coding strand, the reverse complement: FBN1 is on the minus strand). VCF-style (leftmost placement, unchanged base first): chr15-48481747-CA-C. GRCh37 (hg19) VCF-style: chr15-48773944-CA-C.
Other names: c.3871delT, p.Cys1291Alafs (NM_000138.4); c.3871del, p.Cys1291fs (NM_001406716.1); short protein forms C1291fs.
Identifiers: ClinVar variation 1325415 (VCV001325415.2), dbSNP rs2141287465, ClinGen allele CA2573150781.
Genomic context (GRCh38, chr15:48,481,747, plus strand): 5'-TAGCCCATATCACAGTGGCAGATAAATGAGCCTTTCGTGTTTTCACAGGTCCCACTTAGG[CA>C]GATATTTGGATTCAGGTCACACTCATTGACATCTGTAAAACATATATACTATTAATATAT-3'

ClinVar aggregate classification (germline): Pathogenic (1 of 4 stars; one submission).

Conditions:
Marfan syndrome (MFS). Also called: Marfan syndrome type 1; Marfan's syndrome; FBN1-Related Marfan Syndrome; MARFAN SYNDROME, TYPE I; Marfan syndrome, classic. Identifiers: Orphanet 284963, Orphanet 558, MedGen C0024796, MONDO:0007947, OMIM 154700.

Submission:

Centre of Medical Genetics, University of Antwerp
Classification: Pathogenic for Marfan syndrome. Last evaluated: 2021-03-01. Review status: criteria provided, single submitter. Criteria: Submitter's publication. Collection method: research. Allele origin: unknown. Affected: yes.
Comment: PM2, PVS1, PP4